The following is an entry in ClinVar:

ClinVar aggregate classification (germline): Benign. Review status: criteria provided, single submitter (1 of 4 stars). 2 submissions from 2 submitters: Benign (1). 1 of the submissions does not count toward it. Last evaluated 2013-03-11.

Conditions:
Ethylmalonic encephalopathy (EE). Also called: EPEMA syndrome; Encephalopathy, petechiae, and ethylmalonic aciduria; Syndrome of encephalopathy, petechiae, and ethylmalonic aciduria. Identifiers: Orphanet 51188, MedGen C1865349, MONDO:0011229, OMIM 602473. Disease mechanism: loss of function.

Allele frequency attached by ClinVar (database versions not stated): gnomAD exomes 0.00426 and 0.00139; 1000 Genomes Project 30x 0.00562; gnomAD 0.00001 and 0.00088; TOPMed 0.00019; 1000 Genomes Project 0.00579; ExAC 0.01606.

Submissions (2):

GeneDx
Classification: Benign. Last evaluated: 2013-03-11. Review status: criteria provided, single submitter. Criteria: GeneDx Variant Classification (06012015). Collection method: clinical testing. Allele origin: germline. Affected: yes.
Comment: This variant is considered likely benign or benign based on one or more of the following criteria: it is a conservative change, it occurs at a poorly conserved position in the protein, it is predicted to be benign by multiple in silico algorithms, and/or has population frequency not consistent with disease.

Natera, Inc.
Classification: Benign for Ethylmalonic encephalopathy. Last evaluated: 2020-09-16. Review status: no assertion criteria provided. Collection method: clinical testing. Allele origin: germline. Not counted in ClinVar's aggregate classification.

NM_014297.5(ETHE1):c.-47C>T

Genes: ETHE1 (ETHE1 persulfide dioxygenase; minus strand), LOC130064595 (ATAC-STARR-seq lymphoblastoid silent region 10721; plus strand). Cytogenetic location: 19q13.31.
Variant type: single nucleotide variant.
Coding change: c.-47C>T on transcript NM_014297.5 (MANE Select); 47 bases upstream of the start codon, C replaced by T.
Genome position (GRCh38, 1-based): chr19:43,527,224, G>A on the plus strand (C>T on the coding strand, the complement: ETHE1 is on the minus strand). VCF-style: chr19-43527224-G-A. GRCh37 (hg19) VCF-style: chr19-44031376-G-A.
Identifiers: ClinVar variation 137238 (VCV000137238.6), dbSNP rs368890798, ClinGen allele CA290778.